The following is an entry in ClinVar:

NM_021098.3(CACNA1H):c.4018G>A (p.Val1340Met)

Gene: CACNA1H (calcium voltage-gated channel subunit alpha1 H; plus strand). Cytogenetic location: 16p13.3.
Variant type: single nucleotide variant.
Coding change: c.4018G>A on transcript NM_021098.3 (MANE Select); coding-DNA position 4018, G replaced by A.
Protein change: p.Val1340Met; replaces valine 1340 with methionine.
Molecular consequence: missense variant.
Genome position (GRCh38, 1-based): chr16:1,210,631, G>A. VCF-style: chr16-1210631-G-A. GRCh37 (hg19) VCF-style: chr16-1260631-G-A.
Other names: c.4018G>A, p.Val1340Met (NM_001005407.2); short protein forms V1340M.
Identifiers: ClinVar variation 998853 (VCV000998853.9), dbSNP rs747265858, ClinGen allele CA7801080.

ClinVar aggregate classification (germline): Uncertain significance. Review status: criteria provided, multiple submitters, no conflicts (2 of 4 stars). 2 submissions from 2 submitters: Uncertain significance (2). Last evaluated 2022-12-02.

Conditions:
Epilepsy, childhood absence, susceptibility to, 6. Identifiers: Orphanet 64280, MedGen C2749872, MONDO:0012763, OMIM 611942.
Hyperaldosteronism, familial, type IV (HALD4). Also called: FH IV; ALDOSTERONISM, PRIMARY, AND HYPERTENSION. Identifiers: Orphanet 642671, MedGen C4310756, MONDO:0014875, OMIM 617027.
Idiopathic generalized epilepsy. Also called: EIG; Generalised epilepsy. Identifiers: MedGen C0270850, MONDO:0005579, OMIM 600669.

Allele frequency attached by ClinVar (database versions not stated): TOPMed 0.00002; gnomAD exomes 0.00006; ExAC 0.00007; gnomAD 0.00010 and 0.00011.
gnomAD v4.1: 70 of 1,605,628 alleles (0.0044%); highest among the groups gnomAD compares: African/African-American, 0.012%; no homozygotes.

Submissions (2):

Labcorp Genetics (formerly Invitae), Labcorp
Classification: Uncertain significance for Idiopathic generalized epilepsy; Hyperaldosteronism, familial, type IV. Last evaluated: 2022-12-02. Review status: criteria provided, single submitter. Criteria: Invitae Variant Classification Sherloc (09022015). Collection method: clinical testing. Allele origin: germline.
Comment: This sequence change replaces valine, which is neutral and non-polar, with methionine, which is neutral and non-polar, at codon 1340 of the CACNA1H protein (p.Val1340Met). This variant is present in population databases (rs747265858, gnomAD 0.02%). This variant has not been reported in the literature in individuals affected with CACNA1H-related conditions. ClinVar contains an entry for this variant (Variation ID: 998853). Advanced modeling of protein sequence and biophysical properties (such as structural, functional, and spatial information, amino acid conservation, physicochemical variation, residue mobility, and thermodynamic stability) performed at Invitae indicates that this missense variant is not expected to disrupt CACNA1H protein function. In summary, the available evidence is currently insufficient to determine the role of this variant in disease. Therefore, it has been classified as a Variant of Uncertain Significance.

Fulgent Genetics
Classification: Uncertain significance for Epilepsy, childhood absence, susceptibility to, 6; Hyperaldosteronism, familial, type IV. Last evaluated: 2022-02-01. Review status: criteria provided, single submitter. Criteria: ACMG Guidelines, 2015. Collection method: clinical testing. Allele origin: unknown.